The following is an entry in ClinVar:

NM_002734.5(PRKAR1A):c.1070G>C (p.Arg357Pro)

Gene: PRKAR1A (protein kinase cAMP-dependent type I regulatory subunit alpha; plus strand). Cytogenetic location: 17q24.2.
Variant type: single nucleotide variant.
Coding change: c.1070G>C on transcript NM_002734.5 (MANE Select); coding-DNA position 1070, G replaced by C.
Protein change: p.Arg357Pro; replaces arginine 357 with proline.
Molecular consequence: missense variant. On other transcripts: intron variant (1).
Genome position (GRCh38, 1-based): chr17:68,530,373, G>C. VCF-style: chr17-68530373-G-C. GRCh37 (hg19) VCF-style: chr17-66526514-G-C.
Other names: c.1070G>C, p.Arg357Pro (NM_001276289.2, NM_001278433.2, NM_001369389.1 and 3 more transcripts); c.973+372G>C (NM_001276290.1); short protein forms R357P.
Identifiers: ClinVar variation 1362548 (VCV001362548.8), dbSNP rs2085940326, ClinGen allele CA400754756.

ClinVar aggregate classification (germline): Uncertain significance (1 of 4 stars; one submission).

Conditions:
Carney complex, type 1 (CNC1). Also called: CARNEY MYXOMA-ENDOCRINE COMPLEX; CARNEY COMPLEX, TYPE I. Identifiers: Orphanet 1359, MedGen C2607929, MONDO:0008057, OMIM 160980.

Submission:

Labcorp Genetics (formerly Invitae), Labcorp
Classification: Uncertain significance for Carney complex, type 1. Last evaluated: 2021-04-23. Review status: criteria provided, single submitter. Criteria: Invitae Variant Classification Sherloc (09022015). Collection method: clinical testing. Allele origin: germline.
Comment: In summary, the available evidence is currently insufficient to determine the role of this variant in disease. Therefore, it has been classified as a Variant of Uncertain Significance. Algorithms developed to predict the effect of missense changes on protein structure and function are either unavailable or do not agree on the potential impact of this missense change (SIFT: "Deleterious"; PolyPhen-2: "Probably Damaging"; Align-GVGD: "Class C0"). This variant has not been reported in the literature in individuals with PRKAR1A-related conditions. This variant is not present in population databases (ExAC no frequency). This sequence change replaces arginine with proline at codon 357 of the PRKAR1A protein (p.Arg357Pro). The arginine residue is highly conserved and there is a moderate physicochemical difference between arginine and proline.